The following is an entry in ClinVar:

NM_020975.6(RET):c.1939A>G (p.Ile647Val)

Gene: RET (ret proto-oncogene; plus strand). Cytogenetic location: 10q11.21.
Variant type: single nucleotide variant.
Coding change: c.1939A>G on transcript NM_020975.6 (MANE Select); coding-DNA position 1939, A replaced by G.
Protein change: p.Ile647Val; replaces isoleucine 647 with valine.
Molecular consequence: missense variant. On other transcripts: intron variant (4).
Genome position (GRCh38, 1-based): chr10:43,114,539, A>G. VCF-style: chr10-43114539-A-G. GRCh37 (hg19) VCF-style: chr10-43609987-A-G.
Other names: c.949A>G, p.Ile317Val (NM_001406784.1); c.922A>G, p.Ile308Val (NM_001406785.1); c.913A>G, p.Ile305Val (NM_001406786.1, NM_001406783.1); c.754A>G, p.Ile252Val (NM_001406788.1, NM_001406789.1, NM_001406790.1); c.634A>G, p.Ile212Val (NM_001406791.1); c.490A>G, p.Ile164Val (NM_001406792.1, NM_001406793.1, NM_001406794.1); c.1414A>G, p.Ile472Val (NM_001406774.1); c.1213A>G, p.Ile405Val (NM_001406775.1, NM_001406776.1, NM_001406777.1 and 1 more transcripts); and 10 more; short protein forms I252V, I305V, I317V, I472V, I551V, I348V, I212V, I308V.
Identifiers: ClinVar variation 3631469 (VCV003631469.2).

ClinVar aggregate classification (germline): Uncertain significance (1 of 4 stars; one submission).

Conditions:
Multiple endocrine neoplasia, type 2 (MEN2). Identifiers: Orphanet 653, MedGen C4048306, MONDO:0019003. Disease mechanism: gain of function.

Submission:

Labcorp Genetics (formerly Invitae), Labcorp
Classification: Uncertain significance for Multiple endocrine neoplasia, type 2. Last evaluated: 2024-03-04. Review status: criteria provided, single submitter. Criteria: Invitae Variant Classification Sherloc (09022015). Collection method: clinical testing. Allele origin: germline.
Comment: This sequence change replaces isoleucine, which is neutral and non-polar, with valine, which is neutral and non-polar, at codon 647 of the RET protein (p.Ile647Val). This variant is not present in population databases (gnomAD no frequency). This variant has not been reported in the literature in individuals affected with RET-related conditions. Algorithms developed to predict the effect of missense changes on protein structure and function output the following: SIFT: "Not Available"; PolyPhen-2: "Benign"; Align-GVGD: "Not Available". The valine amino acid residue is found in multiple mammalian species, which suggests that this missense change does not adversely affect protein function. In summary, the available evidence is currently insufficient to determine the role of this variant in disease. Therefore, it has been classified as a Variant of Uncertain Significance.